The following is an entry in ClinVar:

NM_001103.4(ACTN2):c.2141A>T (p.Asn714Ile)

Gene: ACTN2 (actinin alpha 2; plus strand). Cytogenetic location: 1q43.
Variant type: single nucleotide variant.
Coding change: c.2141A>T on transcript NM_001103.4 (MANE Select); coding-DNA position 2141, A replaced by T.
Protein change: p.Asn714Ile; replaces asparagine 714 with isoleucine.
Molecular consequence: missense variant. On other transcripts: non-coding transcript variant (1).
Genome position (GRCh38, 1-based): chr1:236,755,185, A>T. VCF-style: chr1-236755185-A-T. GRCh37 (hg19) VCF-style: chr1-236918485-A-T.
Other names: c.2141A>T, p.Asn714Ile (NM_001278343.2); c.1517A>T, p.Asn506Ile (NM_001278344.2); c.1391A>T, p.Asn464Ile (NM_001412150.1); short protein forms N464I, N506I, N714I.
Identifiers: ClinVar variation 3029908 (VCV003029908.2), dbSNP rs2527647729, ClinGen allele CA345387761.

ClinVar aggregate classification (germline): Uncertain significance (0 of 4 stars; one submission).

Conditions:
ACTN2-related disorder. Also called: ACTN2 related condition; ACTN2-related disorders.

Submission:

PreventionGenetics, part of Exact Sciences
Classification: Uncertain significance for ACTN2-related condition. Last evaluated: 2023-12-12. Review status: no assertion criteria provided. Collection method: clinical testing. Allele origin: germline.
Comment: The ACTN2 c.2141A>T variant is predicted to result in the amino acid substitution p.Asn714Ile. To our knowledge, this variant has not been reported in the literature or in a large population database, indicating this variant is rare. At this time, the clinical significance of this variant is uncertain due to the absence of conclusive functional and genetic evidence.